The following is an entry in ClinVar:

NM_013436.5(NCKAP1):c.2226T>G (p.Ser742Arg)

Gene: NCKAP1 (NCK associated protein 1; minus strand). Cytogenetic location: 2q32.1.
Variant type: single nucleotide variant.
Coding change: c.2226T>G on transcript NM_013436.5 (MANE Select); coding-DNA position 2226, T replaced by G.
Protein change: p.Ser742Arg; replaces serine 742 with arginine.
Molecular consequence: missense variant.
Genome position (GRCh38, 1-based): chr2:182,953,259, A>C on the plus strand (T>G on the coding strand, the complement: NCKAP1 is on the minus strand). VCF-style: chr2-182953259-A-C. GRCh37 (hg19) VCF-style: chr2-183817987-A-C.
Other names: c.2244T>G, p.Ser748Arg (NM_205842.3); short protein forms S742R, S748R.
Identifiers: ClinVar variation 1302561 (VCV001302561.3), dbSNP rs2105823042, ClinGen allele CA349757789.

ClinVar aggregate classification (germline): Likely pathogenic (1 of 4 stars; one submission).

Submission:

GeneDx
Classification: Likely pathogenic. Last evaluated: 2024-09-13. Review status: criteria provided, single submitter. Criteria: GeneDx Variant Classification Process June 2021. Collection method: clinical testing. Allele origin: germline. Affected: yes.
Comment: Not observed at significant frequency in large population cohorts (gnomAD); In silico analysis supports that this missense variant has a deleterious effect on protein structure/function; In silico analysis suggests this variant may impact gene splicing. In the absence of RNA/functional studies, the actual effect of this sequence change is unknown.; Has not been previously published as pathogenic or benign to our knowledge